The following is an entry in ClinVar:

NM_176824.3(BBS7):c.102+1G>T

Gene: BBS7 (Bardet-Biedl syndrome 7; minus strand). Cytogenetic location: 4q27.
Variant type: single nucleotide variant.
Coding change: c.102+1G>T on transcript NM_176824.3 (MANE Select); the canonical splice donor site of the intron after coding-DNA position 102, G replaced by T.
Molecular consequence: splice donor variant.
Genome position (GRCh38, 1-based): chr4:121,867,980, C>A on the plus strand (G>T on the coding strand, the complement: BBS7 is on the minus strand). VCF-style: chr4-121867980-C-A. GRCh37 (hg19) VCF-style: chr4-122789135-C-A.
Other names: c.102+1G>T (NM_018190.4).
Identifiers: ClinVar variation 2140312 (VCV002140312.4), dbSNP rs764862220, ClinGen allele CA358045888.
Genomic context (GRCh38, chr4:121,867,980, plus strand): 5'-ATAGGAGCCTCTCCTCTGTCACTGCTAGGGAATAGTGGAGAAATCAGAATCTATACAGTA[C>A]CTTTTGTGTAGCTCTGTGTCTTGAGGCAGGAATTAGCTTCATAGTCTTCTGAGATGTTAC-3'

ClinVar aggregate classification (germline): Likely pathogenic (1 of 4 stars; one submission).

Conditions:
Bardet-Biedl syndrome (BBS). Identifiers: Orphanet 110, MedGen C0752166, MONDO:0015229.

Allele frequency attached by ClinVar (database versions not stated): gnomAD 0.00001.
gnomAD v4.1: 4 of 1,610,874 alleles (0.00025%); highest among the groups gnomAD compares: Non-Finnish European, 0.00034%; no homozygotes.

Submission:

Labcorp Genetics (formerly Invitae), Labcorp
Classification: Likely pathogenic for Bardet-Biedl syndrome. Last evaluated: 2022-02-04. Review status: criteria provided, single submitter. Criteria: Invitae Variant Classification Sherloc (09022015). Collection method: clinical testing. Allele origin: germline.
Comment: In summary, the currently available evidence indicates that the variant is pathogenic, but additional data are needed to prove that conclusively. Therefore, this variant has been classified as Likely Pathogenic. Algorithms developed to predict the effect of sequence changes on RNA splicing suggest that this variant may disrupt the consensus splice site. This variant has not been reported in the literature in individuals affected with BBS7-related conditions. This variant is not present in population databases (gnomAD no frequency). This sequence change affects a donor splice site in intron 2 of the BBS7 gene. It is expected to disrupt RNA splicing. Variants that disrupt the donor or acceptor splice site typically lead to a loss of protein function (PMID: 16199547), and loss-of-function variants in BBS7 are known to be pathogenic (PMID: 12567324, 19402160, 21209035, 31196119).

Literature cited by the submitters: PubMed 16199547; PubMed 12567324; PubMed 19402160; PubMed 21209035; PubMed 31196119.